The following is an entry in ClinVar:

ClinVar aggregate classification (germline): Pathogenic (1 of 4 stars; one submission).

Submission:

Athena Diagnostics
Classification: Pathogenic. Last evaluated: 2021-08-26. Review status: criteria provided, single submitter. Criteria: Athena Diagnostics Criteria. Collection method: clinical testing. Allele origin: unknown.
Comment: This variant is expected to result in the loss of a functional protein. Similar variants have not been reported in large, multi-ethnic general populations. A similar variant has been identified in at least one individual with clinical features associated with this gene.

Literature cited by the submitters: PubMed 30476002; PubMed 25065914; PubMed 17098887; PubMed 17345589.

Single allele

Gene: SPAST (spastin; plus strand). Cytogenetic location: 2p22.3.
Variant type: Deletion.
Identifiers: ClinVar variation 1807272 (VCV001807272.1).